The following is an entry in ClinVar:

NM_000416.3(IFNGR1):c.1277C>T (p.Ser426Phe)

Gene: IFNGR1 (interferon gamma receptor 1; minus strand). Cytogenetic location: 6q23.3.
Variant type: single nucleotide variant.
Coding change: c.1277C>T on transcript NM_000416.3 (MANE Select); coding-DNA position 1277, C replaced by T.
Protein change: p.Ser426Phe; replaces serine 426 with phenylalanine.
Molecular consequence: missense variant.
Genome position (GRCh38, 1-based): chr6:137,198,224, G>A on the plus strand (C>T on the coding strand, the complement: IFNGR1 is on the minus strand). VCF-style: chr6-137198224-G-A. GRCh37 (hg19) VCF-style: chr6-137519361-G-A.
Other names: c.1247C>T, p.Ser416Phe (NM_001363526.1); c.1154C>T, p.Ser385Phe (NM_001363527.1); short protein forms S385F, S416F, S426F.
Identifiers: ClinVar variation 2131419 (VCV002131419.4), dbSNP rs1160446665, ClinGen allele CA365772308.

ClinVar aggregate classification (germline): Uncertain significance (1 of 4 stars; one submission).

Conditions:
Disseminated atypical mycobacterial infection. Identifiers: MedGen C0694566.

Allele frequency attached by ClinVar (database versions not stated): gnomAD exomes below 0.00001; TOPMed below 0.00001.
gnomAD v4.1: 2 of 1,614,022 alleles (0.00012%); highest among the groups gnomAD compares: Non-Finnish European, 0.00017%; no homozygotes.

Submission:

Labcorp Genetics (formerly Invitae), Labcorp
Classification: Uncertain significance for Disseminated atypical mycobacterial infection. Last evaluated: 2023-10-04. Review status: criteria provided, single submitter. Criteria: Invitae Variant Classification Sherloc (09022015). Collection method: clinical testing. Allele origin: germline.
Comment: This sequence change replaces serine, which is neutral and polar, with phenylalanine, which is neutral and non-polar, at codon 426 of the IFNGR1 protein (p.Ser426Phe). This variant is not present in population databases (gnomAD no frequency). This variant has not been reported in the literature in individuals affected with IFNGR1-related conditions. ClinVar contains an entry for this variant (Variation ID: 2131419). Advanced modeling of protein sequence and biophysical properties (such as structural, functional, and spatial information, amino acid conservation, physicochemical variation, residue mobility, and thermodynamic stability) performed at Invitae indicates that this missense variant is not expected to disrupt IFNGR1 protein function. In summary, the available evidence is currently insufficient to determine the role of this variant in disease. Therefore, it has been classified as a Variant of Uncertain Significance.